The following is an entry in ClinVar:

NM_001008212.2(OPTN):c.377C>A (p.Thr126Asn)

Gene: OPTN (optineurin; plus strand). Cytogenetic location: 10p13.
Variant type: single nucleotide variant.
Coding change: c.377C>A on transcript NM_001008212.2 (MANE Select); coding-DNA position 377, C replaced by A.
Protein change: p.Thr126Asn; replaces threonine 126 with asparagine.
Molecular consequence: missense variant.
Genome position (GRCh38, 1-based): chr10:13,112,460, C>A. VCF-style: chr10-13112460-C-A. GRCh37 (hg19) VCF-style: chr10-13154460-C-A.
Other names: c.377C>A, p.Thr126Asn (NM_001008211.1, NM_001008213.1, NM_021980.4); short protein forms T126N.
Identifiers: ClinVar variation 2640305 (VCV002640305.27), dbSNP rs142282480, ClinGen allele CA376027784.

ClinVar aggregate classification (germline): Uncertain significance. Review status: criteria provided, multiple submitters, no conflicts (2 of 4 stars). 2 submissions from 2 submitters: Uncertain significance (2). Last evaluated 2025-04-30.

Conditions:
Glaucoma 1, open angle, E. Identifiers: MedGen C1842026, MONDO:0007665.
Amyotrophic lateral sclerosis type 12 (ALS12). Also called: AMYOTROPHIC LATERAL SCLEROSIS 12 WITH OR WITHOUT FRONTOTEMPORAL DEMENTIA. Identifiers: Orphanet 803, MedGen C3150692, MONDO:0013264, OMIM 613435.
Primary open angle glaucoma (POAG). Also called: OPTN-related open angle glaucoma. Identifiers: MedGen C0339573, MONDO:0100553, OMIM 137760.

Submissions (2):

Labcorp Genetics (formerly Invitae), Labcorp
Classification: Uncertain significance for Primary open angle glaucoma; Glaucoma 1, open angle, E; Amyotrophic lateral sclerosis type 12. Last evaluated: 2025-04-30. Review status: criteria provided, single submitter. Criteria: Invitae Variant Classification Sherloc (09022015). Collection method: clinical testing. Allele origin: germline.
Comment: This sequence change replaces threonine, which is neutral and polar, with asparagine, which is neutral and polar, at codon 126 of the OPTN protein (p.Thr126Asn). This variant is not present in population databases (gnomAD no frequency). This variant has not been reported in the literature in individuals affected with OPTN-related conditions. ClinVar contains an entry for this variant (Variation ID: 2640305). An algorithm developed to predict the effect of missense changes on protein structure and function (PolyPhen-2) suggests that this variant is likely to be tolerated. In summary, the available evidence is currently insufficient to determine the role of this variant in disease. Therefore, it has been classified as a Variant of Uncertain Significance.

CeGaT Center for Human Genetics Tuebingen
Classification: Uncertain significance. Last evaluated: 2022-08-01. Review status: criteria provided, single submitter. Criteria: CeGaT Center For Human Genetics Tuebingen Variant Classification Criteria Version 2. Collection method: clinical testing. Allele origin: germline. Affected: yes. Observed: 1 variant allele.
Comment: OPTN: PM2, BP4